The following is an entry in ClinVar:

NM_014363.6(SACS):c.12762C>T (p.Ser4254=)

Gene: SACS (sacsin molecular chaperone; minus strand). Cytogenetic location: 13q12.12.
Variant type: single nucleotide variant.
Coding change: c.12762C>T on transcript NM_014363.6 (MANE Select); coding-DNA position 12762, C replaced by T.
Protein change: p.Ser4254=; no amino-acid change (serine 4254 retained).
Molecular consequence: synonymous variant.
Genome position (GRCh38, 1-based): chr13:23,331,114, G>A on the plus strand (C>T on the coding strand, the complement: SACS is on the minus strand). VCF-style: chr13-23331114-G-A. GRCh37 (hg19) VCF-style: chr13-23905253-G-A.
Other names: p.Ser4254=; c.12321C>T, p.Ser4107= (NM_001278055.2).
Identifiers: ClinVar variation 528026 (VCV000528026.32), dbSNP rs11554397, ClinGen allele CA6910094.

ClinVar aggregate classification (germline): Conflicting classifications of pathogenicity. Review status: criteria provided, conflicting classifications (1 of 4 stars). 11 submissions from 11 submitters: Uncertain significance (2); Benign (3); Likely benign (2). 4 of the submissions do not count toward it. Last evaluated 2026-01-28.

Conditions:
Hereditary spastic paraplegia. Also called: Familial spastic paraparesis. Identifiers: Orphanet 685, MedGen C0037773, MONDO:0019064. Disease mechanism: loss of function.
Spastic paraplegia. Identifiers: MedGen C0037772, HP:0001258.
Charlevoix-Saguenay spastic ataxia (SACS). Also called: SPASTIC ATAXIA 6, AUTOSOMAL RECESSIVE; AUTOSOMAL RECESSIVE SPASTIC ATAXIA OF CHARLEVOIX-SAGUENAY; Spastic ataxia of Charlevoix-Saguenay. Identifiers: Orphanet 98, MedGen C1849140, MONDO:0010041, OMIM 270550.
SACS-related disorder. Also called: SACS-related condition.

Allele frequency attached by ClinVar (database versions not stated): gnomAD exomes 0.00090 and 0.00241; ExAC 0.00306; gnomAD 0.00924 and 0.00978; TOPMed 0.01061; ESP Exome Variant Server 0.01146; 1000 Genomes Project 0.01158; 1000 Genomes Project 30x 0.01218.
gnomAD v4.1: 2,769 of 1,614,110 alleles (0.17%); highest among the groups gnomAD compares: African/African-American, 3.2%; 46 homozygotes.

Submissions (11):

Labcorp Genetics (formerly Invitae), Labcorp
Classification: Benign for Spastic paraplegia. Last evaluated: 2026-01-28. Review status: criteria provided, single submitter. Criteria: Invitae Variant Classification Sherloc (09022015). Collection method: clinical testing. Allele origin: germline.

Athena Diagnostics
Classification: Benign. Last evaluated: 2024-03-18. Review status: criteria provided, single submitter. Criteria: Athena Diagnostics Criteria. Collection method: clinical testing. Allele origin: unknown.

Genome-Nilou Lab
Classification: Likely benign for Charlevoix-Saguenay spastic ataxia. Last evaluated: 2021-09-05. Review status: criteria provided, single submitter. Criteria: ACMG Guidelines, 2015. Collection method: clinical testing. Allele origin: germline. Affected: no.

Mayo Clinic Laboratories, Mayo Clinic
Classification: Benign. Last evaluated: 2020-02-25. Review status: criteria provided, single submitter. Criteria: ACMG Guidelines, 2015. Collection method: clinical testing. Allele origin: germline. Observed: 15 variant alleles.

GeneDx
Classification: Likely benign. Last evaluated: 2020-01-07. Review status: criteria provided, single submitter. Criteria: GeneDx Variant Classification Process June 2021. Collection method: clinical testing. Allele origin: germline. Affected: yes.

Genome Diagnostics Laboratory, The Hospital for Sick Children
Classification: Uncertain significance for Hereditary spastic paraplegia. Last evaluated: 2017-06-29. Review status: criteria provided, single submitter. Criteria: ACMG Guidelines, 2015. Collection method: clinical testing. Allele origin: germline. Affected: yes.

Illumina Laboratory Services, Illumina
Classification: Uncertain significance for Charlevoix-Saguenay spastic ataxia. Last evaluated: 2017-04-27. Review status: criteria provided, single submitter. Criteria: ICSL Variant Classification Criteria 13 December 2019. Collection method: clinical testing. Allele origin: germline.

Natera, Inc.
Classification: Benign for Charlevoix-Saguenay type spastic ataxia. Last evaluated: 2020-09-16. Review status: no assertion criteria provided. Collection method: clinical testing. Allele origin: germline. Not counted in ClinVar's aggregate classification.

PreventionGenetics, part of Exact Sciences
Classification: Benign for SACS-related condition. Last evaluated: 2019-08-07. Review status: no assertion criteria provided. Collection method: clinical testing. Allele origin: germline. Not counted in ClinVar's aggregate classification.
Comment: This variant is classified as benign based on ACMG/AMP sequence variant interpretation guidelines (Richards et al. 2015 PMID: 25741868, with internal and published modifications).

Clinical Genetics DNA and cytogenetics Diagnostics Lab, Erasmus MC, Erasmus Medical Center
Classification: Benign. Review status: no assertion criteria provided. Collection method: clinical testing. Allele origin: germline. Affected: yes. Study: VKGL Data-share Consensus. Not counted in ClinVar's aggregate classification.

Joint Genome Diagnostic Labs from Nijmegen and Maastricht, Radboudumc and MUMC+
Classification: Benign. Review status: no assertion criteria provided. Collection method: clinical testing. Allele origin: germline. Affected: yes. Study: VKGL Data-share Consensus. Not counted in ClinVar's aggregate classification.